The following is an entry in ClinVar:

NM_002857.4(PEX19):c.98A>G (p.Lys33Arg)

Gene: PEX19 (peroxisomal biogenesis factor 19; minus strand). Cytogenetic location: 1q23.2.
Variant type: single nucleotide variant.
Coding change: c.98A>G on transcript NM_002857.4 (MANE Select); coding-DNA position 98, A replaced by G.
Protein change: p.Lys33Arg; replaces lysine 33 with arginine.
Molecular consequence: missense variant. On other transcripts: non-coding transcript variant (1).
Genome position (GRCh38, 1-based): chr1:160,283,612, T>C on the plus strand (A>G on the coding strand, the complement: PEX19 is on the minus strand). VCF-style: chr1-160283612-T-C. GRCh37 (hg19) VCF-style: chr1-160253402-T-C.
Other names: c.98A>G, p.Lys33Arg (NM_001193644.1); short protein forms K33R.
Identifiers: ClinVar variation 2010342 (VCV002010342.4), dbSNP rs2525319014, ClinGen allele CA343265044.

ClinVar aggregate classification (germline): Uncertain significance (1 of 4 stars; one submission).

Conditions:
Peroxisome biogenesis disorder 12A (Zellweger). Also called: Peroxisome biogenesis disorder 12A. Identifiers: Orphanet 912, MedGen C3554002, MONDO:0013951, OMIM 614886.

Submission:

Labcorp Genetics (formerly Invitae), Labcorp
Classification: Uncertain significance for Peroxisome biogenesis disorder 12A (Zellweger). Last evaluated: 2022-04-05. Review status: criteria provided, single submitter. Criteria: Invitae Variant Classification Sherloc (09022015). Collection method: clinical testing. Allele origin: germline.
Comment: In summary, the available evidence is currently insufficient to determine the role of this variant in disease. Therefore, it has been classified as a Variant of Uncertain Significance. Algorithms developed to predict the effect of missense changes on protein structure and function (SIFT, PolyPhen-2, Align-GVGD) all suggest that this variant is likely to be tolerated. This variant has not been reported in the literature in individuals affected with PEX19-related conditions. This variant is not present in population databases (gnomAD no frequency). This sequence change replaces lysine, which is basic and polar, with arginine, which is basic and polar, at codon 33 of the PEX19 protein (p.Lys33Arg).